The following is an entry in ClinVar:

NM_181458.4(PAX3):c.602C>G (p.Ser201Ter)

Gene: PAX3 (paired box 3; minus strand). Cytogenetic location: 2q36.1.
Variant type: single nucleotide variant.
Coding change: c.602C>G on transcript NM_181458.4 (MANE Select); coding-DNA position 602, C replaced by G.
Protein change: p.Ser201Ter; replaces serine 201 with a stop codon.
Molecular consequence: nonsense.
Genome position (GRCh38, 1-based): chr2:222,232,268, G>C on the plus strand (C>G on the coding strand, the complement: PAX3 is on the minus strand). VCF-style: chr2-222232268-G-C. GRCh37 (hg19) VCF-style: chr2-223096987-G-C.
Other names: c.599C>G, p.Ser200Ter (NM_001127366.3); c.602C>G, p.Ser201Ter (NM_181457.4, NM_181459.4, NM_181460.4 and 1 more transcripts); short protein forms S201*, S200*.
Identifiers: ClinVar variation 392483 (VCV000392483.2), dbSNP rs1057524511, ClinGen allele CA16604154.

ClinVar aggregate classification (germline): Pathogenic (1 of 4 stars; one submission).

Submission:

GeneDx
Classification: Pathogenic. Last evaluated: 2018-03-15. Review status: criteria provided, single submitter. Criteria: GeneDx Variant Classification (06012015). Collection method: clinical testing. Allele origin: germline. Affected: yes.
Comment: The S201X variant in the PAX3 gene has not been reported previously as a pathogenic variant nor as a benign variant, to our knowledge. This variant is predicted to cause loss of normal protein function either through protein truncation or nonsense-mediated mRNA decay. The variant is not observed in large population cohorts (Lek et al., 2016). In summary, we consider S201X to be a pathogenic variant.